The following is an entry in ClinVar:

NM_025114.4(CEP290):c.6103del (p.Gln2035fs)

Gene: CEP290 (centrosomal protein 290; minus strand). Cytogenetic location: 12q21.32.
Variant type: Deletion.
Coding change: c.6103del on transcript NM_025114.4 (MANE Select); coding-DNA position 6103, one base deleted (C; older notation c.6103delC).
Protein change: p.Gln2035fs; shifts the reading frame from glutamine 2035.
Molecular consequence: frameshift variant.
Genome position (GRCh38, 1-based): chr12:88,068,554, G deleted on the plus strand (C on the coding strand, the reverse complement: CEP290 is on the minus strand). VCF-style (leftmost placement, unchanged base first): chr12-88068553-TG-T. GRCh37 (hg19) VCF-style: chr12-88462330-TG-T.
Other names: short protein forms Q2035fs.
Identifiers: ClinVar variation 1451241 (VCV001451241.8), dbSNP rs2136910908, ClinGen allele CA2573149100.

ClinVar aggregate classification (germline): Pathogenic. Review status: criteria provided, multiple submitters, no conflicts (2 of 4 stars). 3 submissions from 3 submitters: Pathogenic (3). Last evaluated 2026-07-01.

Conditions:
CEP290-related ciliopathy. Also called: CEP290 ciliopathy. Identifiers: MedGen CN305601, MONDO:0100451.
Joubert syndrome. Also called: JOUBERT-BOLTSHAUSER SYNDROME; Familial aplasia of the vermis. Identifiers: Orphanet 475, MedGen C5979921, MONDO:0018772.
Meckel-Gruber syndrome. Also called: DYSENCEPHALIA SPLANCHNOCYSTICA; GRUBER SYNDROME; Dysencephalia splachnocystica. Identifiers: Orphanet 564, MedGen C0265215, MONDO:0018921.
Nephronophthisis. Also called: Juvenile Nephronophthisis. Identifiers: Orphanet 655, MedGen C0687120, MONDO:0019005, HP:0000090.
Leber congenital amaurosis 10 (LCA10). Identifiers: Orphanet 65, MedGen C1857821, MONDO:0012723, OMIM 611755.

Submissions (3):

Myriad Genetics, Inc.
Classification: Pathogenic for CEP290-related ciliopathy. Last evaluated: 2026-07-01. Review status: criteria provided, single submitter. Criteria: Myriad Autosomal Dominant, Autosomal Recessive and X-Linked Classification Criteria (2023). Collection method: clinical testing. Allele origin: unknown.
Comment: NM_025114.3(CEP290):c.6103delC(Q2035Sfs*15) is expected to be pathogenic in the context of CEP290-related disorders. This variant is predicted to lead to an abnormal or absent protein product due to the creation of a premature termination codon in CEP290, a gene where loss-of-function variants are known to be pathogenic. Please note: this variant was assessed in the context of healthy population screening.

Labcorp Genetics (formerly Invitae), Labcorp
Classification: Pathogenic for Joubert syndrome; Meckel-Gruber syndrome; Nephronophthisis. Last evaluated: 2024-01-04. Review status: criteria provided, single submitter. Criteria: Invitae Variant Classification Sherloc (09022015). Collection method: clinical testing. Allele origin: germline.
Comment: This sequence change creates a premature translational stop signal (p.Gln2035Serfs*15) in the CEP290 gene. It is expected to result in an absent or disrupted protein product. Loss-of-function variants in CEP290 are known to be pathogenic (PMID: 16909394, 17345604, 20690115). This variant is not present in population databases (gnomAD no frequency). This variant has not been reported in the literature in individuals affected with CEP290-related conditions. ClinVar contains an entry for this variant (Variation ID: 1451241). For these reasons, this variant has been classified as Pathogenic.

Kariminejad - Najmabadi Pathology & Genetics Center
Classification: Pathogenic for Leber congenital amaurosis 10. Review status: criteria provided, single submitter. Criteria: ACMG Guidelines, 2015. Collection method: clinical testing. Allele origin: germline. Affected: no.

Literature cited by the submitters: PubMed 16909394 (cited by Labcorp Genetics (formerly Invitae), Labcorp); PubMed 17345604 (cited by Labcorp Genetics (formerly Invitae), Labcorp); PubMed 20690115 (cited by Labcorp Genetics (formerly Invitae), Labcorp).